The following is an entry in ClinVar:

ClinVar aggregate classification (germline): Conflicting classifications of pathogenicity. Review status: criteria provided, conflicting classifications (1 of 4 stars). 3 submissions from 3 submitters: Uncertain significance (1); Likely benign (2). Last evaluated 2026-01-11.

Allele frequency attached by ClinVar (database versions not stated): gnomAD exomes 0.00002 and 0.00003; TOPMed 0.00002; gnomAD 0.00004; ExAC 0.00009.
gnomAD v4.1: 35 of 1,551,506 alleles (0.0023%); highest among the groups gnomAD compares: Non-Finnish European, 0.003%; no homozygotes.

Submissions (3):

Labcorp Genetics (formerly Invitae), Labcorp
Classification: Likely benign. Last evaluated: 2026-01-11. Review status: criteria provided, single submitter. Criteria: Invitae Variant Classification Sherloc (09022015). Collection method: clinical testing. Allele origin: germline.

Blueprint Genetics
Classification: Likely benign. Last evaluated: 2024-11-05. Review status: criteria provided, single submitter. Criteria: ACMG Guidelines, 2015. Collection method: clinical testing. Allele origin: germline.

CeGaT Center for Human Genetics Tuebingen
Classification: Uncertain significance. Last evaluated: 2023-03-01. Review status: criteria provided, single submitter. Criteria: CeGaT Center For Human Genetics Tuebingen Variant Classification Criteria Version 2. Collection method: clinical testing. Allele origin: germline. Affected: yes. Observed: 1 variant allele.
Comment: LOXHD1: PM2, BP4

NM_001384474.1(LOXHD1):c.4375+7G>A

Gene: LOXHD1 (lipoxygenase homology PLAT domains 1; minus strand). Cytogenetic location: 18q21.1.
Variant type: single nucleotide variant.
Coding change: c.4375+7G>A on transcript NM_001384474.1 (MANE Select); 7 bases into the intron after coding-DNA position 4375, G replaced by A.
Molecular consequence: intron variant.
Genome position (GRCh38, 1-based): chr18:46,533,155, C>T on the plus strand (G>A on the coding strand, the complement: LOXHD1 is on the minus strand). VCF-style: chr18-46533155-C-T. GRCh37 (hg19) VCF-style: chr18-44113118-C-T.
Other names: c.1042+7G>A (NM_001145472.3); c.754+7G>A (NM_001308013.2); c.4375+7G>A (NM_144612.7).
Identifiers: ClinVar variation 795308 (VCV000795308.38), dbSNP rs763847381, ClinGen allele CA8952359.